The following is an entry in ClinVar:

NM_001377229.1(DISP1):c.3194A>G (p.Asp1065Gly)

Gene: DISP1 (dispatched RND transporter family member 1; plus strand). Cytogenetic location: 1q41.
Variant type: single nucleotide variant.
Coding change: c.3194A>G on transcript NM_001377229.1 (MANE Select); coding-DNA position 3194, A replaced by G.
Protein change: p.Asp1065Gly; replaces aspartic acid 1065 with glycine.
Molecular consequence: missense variant.
Genome position (GRCh38, 1-based): chr1:223,004,591, A>G. VCF-style: chr1-223004591-A-G. GRCh37 (hg19) VCF-style: chr1-223177933-A-G.
Other names: c.2465A>G, p.Asp822Gly (NM_001350630.2); c.3194A>G, p.Asp1065Gly (NM_001369594.1, NM_001377228.1, NM_032890.5); short protein forms D1065G, D822G.
Identifiers: ClinVar variation 1418106 (VCV001418106.6), dbSNP rs763967788, ClinGen allele CA1409362.

ClinVar aggregate classification (germline): Uncertain significance (1 of 4 stars; one submission).

Allele frequency attached by ClinVar (database versions not stated): gnomAD 0.00001; TOPMed 0.00002; gnomAD exomes 0.00004; ExAC 0.00006.
gnomAD v4.1: 10 of 1,614,014 alleles (0.00062%); highest among the groups gnomAD compares: Admixed American, 0.017%; no homozygotes.

Submission:

Labcorp Genetics (formerly Invitae), Labcorp
Classification: Uncertain significance. Last evaluated: 2025-09-08. Review status: criteria provided, single submitter. Criteria: Invitae Variant Classification Sherloc (09022015). Collection method: clinical testing. Allele origin: germline.
Comment: This sequence change replaces aspartic acid, which is acidic and polar, with glycine, which is neutral and non-polar, at codon 1065 of the DISP1 protein (p.Asp1065Gly). This variant is present in population databases (rs763967788, gnomAD 0.03%). This variant has not been reported in the literature in individuals affected with DISP1-related conditions. ClinVar contains an entry for this variant (Variation ID: 1418106). An algorithm developed to predict the effect of missense changes on protein structure and function (PolyPhen-2) suggests that this variant is likely to be tolerated. In summary, the available evidence is currently insufficient to determine the role of this variant in disease. Therefore, it has been classified as a Variant of Uncertain Significance.